The following is an entry in ClinVar:

ClinVar aggregate classification (germline): Uncertain significance (1 of 4 stars; one submission).

Conditions:
Hypertrophic cardiomyopathy. Also called: HYPERTROPHIC MYOCARDIOPATHY. Identifiers: Orphanet 217569, MedGen C0007194, MeSH D002312, MONDO:0005045, HP:0001639.

Submission:

Labcorp Genetics (formerly Invitae), Labcorp
Classification: Uncertain significance for Hypertrophic cardiomyopathy. Last evaluated: 2021-07-07. Review status: criteria provided, single submitter. Criteria: Invitae Variant Classification Sherloc (09022015). Collection method: clinical testing. Allele origin: germline.
Comment: This sequence change replaces glutamic acid with lysine at codon 16 of the TPM1 protein (p.Glu16Lys). The glutamic acid residue is weakly conserved and there is a small physicochemical difference between glutamic acid and lysine. In summary, the available evidence is currently insufficient to determine the role of this variant in disease. Therefore, it has been classified as a Variant of Uncertain Significance. Algorithms developed to predict the effect of missense changes on protein structure and function are either unavailable or do not agree on the potential impact of this missense change (SIFT: "Tolerated"; PolyPhen-2: "Probably Damaging"; Align-GVGD: "Class C0"). This variant has not been reported in the literature in individuals affected with TPM1-related conditions. This variant is not present in population databases (ExAC no frequency).

NM_001018005.2(TPM1):c.46G>A (p.Glu16Lys)

Gene: TPM1 (tropomyosin 1; plus strand). Cytogenetic location: 15q22.2.
Variant type: single nucleotide variant.
Coding change: c.46G>A on transcript NM_001018005.2 (MANE Select); coding-DNA position 46, G replaced by A.
Protein change: p.Glu16Lys; replaces glutamic acid 16 with lysine.
Molecular consequence: missense variant.
Genome position (GRCh38, 1-based): chr15:63,042,875, G>A. VCF-style: chr15-63042875-G-A. GRCh37 (hg19) VCF-style: chr15-63335074-G-A.
Other names: c.46G>A, p.Glu16Lys (NM_000366.6, NM_001018004.2, NM_001018006.2 and 7 more transcripts); short protein forms E16K.
Identifiers: ClinVar variation 1450703 (VCV001450703.8), dbSNP rs727504290, ClinGen allele CA392718014.